The following is an entry in ClinVar:

NM_001378454.1(ALMS1):c.1381T>A (p.Leu461Met)

Gene: ALMS1 (ALMS1 centrosome and basal body associated protein; plus strand). Cytogenetic location: 2p13.1.
Variant type: single nucleotide variant.
Coding change: c.1381T>A on transcript NM_001378454.1 (MANE Select); coding-DNA position 1381, T replaced by A.
Protein change: p.Leu461Met; replaces leucine 461 with methionine.
Molecular consequence: missense variant.
Genome position (GRCh38, 1-based): chr2:73,432,240, T>A. VCF-style: chr2-73432240-T-A. GRCh37 (hg19) VCF-style: chr2-73659368-T-A.
Other names: c.1384T>A, p.Leu462Met (NM_015120.4); short protein forms L461M, L462M.
Identifiers: ClinVar variation 2564328 (VCV002564328.2), dbSNP rs935279576, ClinGen allele CA347262540.

ClinVar aggregate classification (germline): Uncertain significance (1 of 4 stars; one submission).

Conditions:
Cardiovascular phenotype. Identifiers: MedGen CN230736.

Submission:

Ambry Genetics
Classification: Uncertain significance for Cardiovascular phenotype. Last evaluated: 2023-03-29. Review status: criteria provided, single submitter. Criteria: Ambry Variant Classification Scheme 2023. Collection method: clinical testing. Allele origin: germline.
Comment: The p.L462M variant (also known as c.1384T>A), located in coding exon 7 of the ALMS1 gene, results from a T to A substitution at nucleotide position 1384. The leucine at codon 462 is replaced by methionine, an amino acid with highly similar properties. This amino acid position is highly conserved in available vertebrate species. In addition, this alteration is predicted to be tolerated by in silico analysis. Since supporting evidence is limited at this time, the clinical significance of this alteration remains unclear.